The following is an entry in ClinVar:

ClinVar aggregate classification (germline): Pathogenic. Review status: reviewed by expert panel (3 of 4 stars). 3 submissions from 3 submitters: Pathogenic (1). 2 of the submissions do not count toward it. Last evaluated 2016-09-08.

Conditions:
Hereditary breast ovarian cancer syndrome. Also called: Hereditary breast and ovarian cancer syndrome (HBOC); Hereditary breast and ovarian cancer syndrome; Hereditary breast and ovarian cancer; Hereditary breast and/or ovarian cancer syndrome; Breast and ovarian cancer; BRCA1- and BRCA2-Associated Hereditary Breast and Ovarian Cancer. Identifiers: Orphanet 145, MedGen C0677776, MeSH D061325, MONDO:0003582. Disease mechanism: loss of function.
Breast-ovarian cancer, familial, susceptibility to, 1 (BROVCA1). Also called: OVARIAN CANCER, SUSCEPTIBILITY TO; BRCA1 Hereditary Breast and Ovarian Cancer. Identifiers: Orphanet 145, MedGen C2676676, MONDO:0011450, OMIM 604370. Disease mechanism: loss of function.

Submissions (3):

Evidence-based Network for the Interpretation of Germline Mutant Alleles (ENIGMA)
Classification: Pathogenic for Breast-ovarian cancer, familial, susceptibility to, 1. Last evaluated: 2016-09-08. Review status: reviewed by expert panel. Criteria: ENIGMA BRCA1/2 Classification Criteria (2015). Collection method: curation. Allele origin: germline.
Comment: Variant allele predicted to encode a truncated non-functional protein.

Labcorp Genetics (formerly Invitae), Labcorp
Classification: Pathogenic for Hereditary breast ovarian cancer syndrome. Last evaluated: 2025-11-12. Review status: criteria provided, single submitter. Criteria: Invitae Variant Classification Sherloc (09022015). Collection method: clinical testing. Allele origin: germline. Not counted in ClinVar's aggregate classification.
Comment: This sequence change creates a premature translational stop signal (p.Pro938Glufs*62) in the BRCA1 gene. It is expected to result in an absent or disrupted protein product. Loss-of-function variants in BRCA1 are known to be pathogenic (PMID: 20104584). Information on the frequency of this variant in the gnomAD database is not available, as this variant may be reported differently in the database. This premature translational stop signal has been observed in individual(s) with breast cancer (PMID: 17592676). For these reasons, this variant has been classified as Pathogenic.

Breast Cancer Information Core (BIC) (BRCA1)
Classification: Pathogenic for Breast-ovarian cancer, familial 1. Last evaluated: 2002-05-29. Review status: no assertion criteria provided. Collection method: clinical testing. Allele origin: germline. Affected: yes. Observed: 1 variant allele. Not counted in ClinVar's aggregate classification.

Literature cited by the submitters: PubMed 20104584 (cited by Labcorp Genetics (formerly Invitae), Labcorp); PubMed 17592676 (cited by Labcorp Genetics (formerly Invitae), Labcorp).

NM_007294.4(BRCA1):c.2812_2813delinsG (p.Pro938fs)

Gene: BRCA1 (BRCA1 DNA repair associated; minus strand). Cytogenetic location: 17q21.31.
Variant type: Indel.
Coding change: c.2812_2813delinsG on transcript NM_007294.4 (MANE Select); coding-DNA positions 2812 to 2813, CC replaced by G.
Protein change: p.Pro938fs; shifts the reading frame from proline 938.
Molecular consequence: frameshift variant. On other transcripts: intron variant (137).
Genome position (GRCh38, 1-based): chr17:43,092,718-43,092,719, GG replaced by C on the plus strand (CC replaced by G on the coding strand, the reverse complement: BRCA1 is on the minus strand). VCF-style: chr17-43092718-GG-C. GRCh37 (hg19) VCF-style: chr17-41244735-GG-C.
Other names: 2931delCCinsG; c.647-1687_647-1686delinsG (NM_001408455.1, NM_001408466.1, NM_001408452.1 and 11 more transcripts); c.578-1687_578-1686delinsG (NM_001408513.1, NM_001408489.1, NM_001408479.1 and 9 more transcripts); c.521-1687_521-1686delinsG (NM_001408503.1, NM_001408505.1, NM_001408504.1); c.524-1687_524-1686delinsG (NM_001408500.1, NM_001408497.1, NM_001408496.1 and 3 more transcripts); c.788-1687_788-1686delinsG (NM_001407973.1, NM_001408403.1, NM_001407983.1 and 17 more transcripts); c.404-1687_404-1686delinsG (NM_001408511.1); c.461-1687_461-1686delinsG (NM_001408507.1, NM_001408506.1); and 42 more; short protein forms P891fs, P938fs, P811fs, P867fs, P890fs, P935fs, P827fs, P849fs.
Identifiers: ClinVar variation 54687 (VCV000054687.5), dbSNP rs273899689, ClinGen allele CA001844.
Genomic context (GRCh38, chr17:43,092,718, plus strand): 5'-AACTGAGATGATAGACAAAACCTAGAGCCTCCTTTGATACTACATTTGGCATTATCAACT[GG>C]CTTATCTTTCTGACCAACCACAGGAAAGCCTGCAGTGATATTAACTGTCTGTACAGGCTT-3'